The following is an entry in ClinVar:

ClinVar aggregate classification (germline): Uncertain significance (1 of 4 stars; one submission).

gnomAD v4.1: 2 of 1,611,858 alleles (0.00012%); highest among the groups gnomAD compares: Non-Finnish European, 0.00017%; no homozygotes.

Submission:

Labcorp Genetics (formerly Invitae), Labcorp
Classification: Uncertain significance. Last evaluated: 2024-09-09. Review status: criteria provided, single submitter. Criteria: Invitae Variant Classification Sherloc (09022015). Collection method: clinical testing. Allele origin: germline.
Comment: This sequence change falls in intron 17 of the TRIM37 gene. It does not directly change the encoded amino acid sequence of the TRIM37 protein. It affects a nucleotide within the consensus splice site. This variant is not present in population databases (gnomAD no frequency). This variant has not been reported in the literature in individuals affected with TRIM37-related conditions. Variants that disrupt the consensus splice site are a relatively common cause of aberrant splicing (PMID: 17576681, 9536098). Algorithms developed to predict the effect of sequence changes on RNA splicing suggest that this variant is not likely to affect RNA splicing. In summary, the available evidence is currently insufficient to determine the role of this variant in disease. Therefore, it has been classified as a Variant of Uncertain Significance.

Literature cited by the submitters: PubMed 17576681; PubMed 9536098.

NM_015294.6(TRIM37):c.1753+4A>G

Gene: TRIM37 (tripartite motif containing 37; minus strand). Cytogenetic location: 17q22.
Variant type: single nucleotide variant.
Coding change: c.1753+4A>G on transcript NM_015294.6 (MANE Select); 4 bases into the intron after coding-DNA position 1753, A replaced by G.
Molecular consequence: intron variant.
Genome position (GRCh38, 1-based): chr17:59,041,809, T>C on the plus strand (A>G on the coding strand, the complement: TRIM37 is on the minus strand). VCF-style: chr17-59041809-T-C. GRCh37 (hg19) VCF-style: chr17-57119170-T-C.
Other names: c.1753+4A>G (NM_001320989.3, NM_001005207.5, NM_001320988.3 and 1 more transcripts); c.1291+4A>G (NM_001353085.2); c.1651+4A>G (NM_001320987.3, NM_001353082.2); c.1702+4A>G (NM_001353086.2); c.1018+4A>G (NM_001353083.2); c.1387+4A>G (NM_001320990.3).
Identifiers: ClinVar variation 3691204 (VCV003691204.2).